The following is an entry in ClinVar:

NM_000548.5(TSC2):c.3294C>T (p.Pro1098=)

Gene: TSC2 (TSC complex subunit 2; plus strand). Cytogenetic location: 16p13.3.
Variant type: single nucleotide variant.
Coding change: c.3294C>T on transcript NM_000548.5 (MANE Select); coding-DNA position 3294, C replaced by T.
Protein change: p.Pro1098=; no amino-acid change (proline 1098 retained).
Molecular consequence: synonymous variant.
Genome position (GRCh38, 1-based): chr16:2,079,566, C>T. VCF-style: chr16-2079566-C-T. GRCh37 (hg19) VCF-style: chr16-2129567-C-T.
Other names: c.3162C>T, p.Pro1054= (NM_001077183.3, NM_001370404.1); c.3294C>T, p.Pro1098= (NM_001114382.3); c.3054C>T, p.Pro1018= (NM_001318827.2); c.3018C>T, p.Pro1006= (NM_001318829.2); c.2562C>T, p.Pro854= (NM_001318831.2); c.3195C>T, p.Pro1065= (NM_001318832.2); c.3165C>T, p.Pro1055= (NM_001363528.2, NM_001370405.1, NM_021055.3); c.3294C>T (NM_000548.4).
Identifiers: ClinVar variation 468000 (VCV000468000.27), dbSNP rs150126331, ClinGen allele CA045602.
Genomic context (GRCh38, chr16:2,079,566, plus strand): 5'-CGTACCAGCCTGGGGACTAAGTCCACCCTGTGCGTGGGATTCTCTTCTCAGCTCCAGCCC[C>T]GGGGTGCATGTGAGACAGACCAAGGAGGCGCCGGCCAAGCTGGAGTCCCAGGCTGGGCAG-3'
Protein context (NP_000539.2, residues 1088-1108): LQSGPESSSS[Pro1098=]GVHVRQTKEA

ClinVar aggregate classification (germline): Conflicting classifications of pathogenicity. Review status: criteria provided, conflicting classifications (1 of 4 stars). 10 submissions from 10 submitters: Uncertain significance (1); Benign (2); Likely benign (7). Last evaluated 2026-01-13.

Conditions:
TSC2-related disorder. Also called: TSC2-Related Disorders; TSC2-related condition.
Hereditary cancer-predisposing syndrome. Also called: Tumor predisposition; Hereditary neoplastic syndrome; Neoplastic Syndromes, Hereditary; Hereditary Cancer Syndrome. Identifiers: Orphanet 140162, MedGen C0027672, MeSH D009386, MONDO:0015356.
Tuberous sclerosis syndrome (TSC). Also called: Tuberous Sclerosis Complex; Tuberous sclerosis. Identifiers: Orphanet 805, MedGen C0041341, MONDO:0001734.
Tuberous sclerosis 2 (TSC2). Identifiers: Orphanet 805, MedGen C1860707, MONDO:0013199, OMIM 613254.

Allele frequency attached by ClinVar (database versions not stated): gnomAD 0.00001; ExAC 0.00002; gnomAD exomes 0.00003; TOPMed 0.00003; ESP Exome Variant Server 0.00008.
gnomAD v4.1: 17 of 1,610,476 alleles (0.0011%); highest among the groups gnomAD compares: Admixed American, 0.005%; no homozygotes.

Submissions (10):

Labcorp Genetics (formerly Invitae), Labcorp
Classification: Benign for Tuberous sclerosis 2. Last evaluated: 2026-01-13. Review status: criteria provided, single submitter. Criteria: Invitae Variant Classification Sherloc (09022015). Collection method: clinical testing. Allele origin: germline.

PreventionGenetics, part of Exact Sciences
Classification: Likely benign for TSC2-related condition. Last evaluated: 2025-10-01. Review status: criteria provided, single submitter. Criteria: ACMG Guidelines, 2015. Collection method: clinical testing. Allele origin: germline.
Comment: This variant is classified as likely benign based on ACMG/AMP sequence variant interpretation guidelines (Richards et al. 2015 PMID: 25741868, with internal and published modifications).

Myriad Genetics, Inc.
Classification: Benign for Tuberous sclerosis 2. Last evaluated: 2025-05-28. Review status: criteria provided, single submitter. Criteria: Myriad Autosomal Dominant, Autosomal Recessive and X-Linked Classification Criteria (2023). Collection method: clinical testing. Allele origin: unknown.
Comment: This variant is considered benign. This variant is a silent/synonymous amino acid change and it is not expected to impact splicing.

All of Us Research Program, National Institutes of Health
Classification: Likely benign for Tuberous sclerosis syndrome. Last evaluated: 2023-12-13. Review status: criteria provided, single submitter. Criteria: ACMG Guidelines, 2015. Collection method: clinical testing. Allele origin: germline. Inheritance: Autosomal dominant inheritance. Observed: 7 variant alleles, 7 heterozygotes.
Comment: This study involves interpretation of variants in research participants for the purpose of population health screening. Participant phenotype was not available at the time of variant classification. Additional details can be found in publication PMID: 35346344, PMCID: PMC8962531

Color Diagnostics, LLC DBA Color Health
Classification: Likely benign for Tuberous sclerosis syndrome. Last evaluated: 2022-09-30. Review status: criteria provided, single submitter. Criteria: ACMG Guidelines, 2015. Collection method: clinical testing. Allele origin: germline.

Sema4
Classification: Likely benign for Hereditary cancer-predisposing syndrome. Last evaluated: 2022-01-27. Review status: criteria provided, single submitter. Criteria: Sema4 Curation Guidelines. Collection method: curation. Allele origin: germline.

Genome-Nilou Lab
Classification: Likely benign for Tuberous sclerosis 2. Last evaluated: 2021-11-07. Review status: criteria provided, single submitter. Criteria: ACMG Guidelines, 2015. Collection method: clinical testing. Allele origin: germline. Affected: no.

GeneDx
Classification: Likely benign. Last evaluated: 2020-06-09. Review status: criteria provided, single submitter. Criteria: GeneDx Variant Classification Process June 2021. Collection method: clinical testing. Allele origin: germline. Affected: yes.

Ambry Genetics
Classification: Likely benign for Hereditary cancer-predisposing syndrome. Last evaluated: 2019-08-15. Review status: criteria provided, single submitter. Criteria: Ambry Variant Classification Scheme 2023. Collection method: clinical testing. Allele origin: germline.

Illumina Laboratory Services, Illumina
Classification: Uncertain significance for Tuberous sclerosis syndrome. Last evaluated: 2017-04-27. Review status: criteria provided, single submitter. Criteria: ICSL Variant Classification Criteria 13 December 2019. Collection method: clinical testing. Allele origin: germline.